The following is an entry in ClinVar:

ClinVar aggregate classification (germline): Uncertain significance (1 of 4 stars; one submission).

Submission:

GeneDx
Classification: Uncertain significance. Last evaluated: 2024-01-31. Review status: criteria provided, single submitter. Criteria: GeneDx Variant Classification Process June 2021. Collection method: clinical testing. Allele origin: germline. Affected: yes.
Comment: Has not been previously published as pathogenic or benign to our knowledge; Canonical splice site variant in a gene for which loss-of-function is not a known mechanism of disease

NM_005273.4(GNB2):c.-89-9_-64del

Genes: GNB2 (G protein subunit beta 2; plus strand), LOC129998974 (ATAC-STARR-seq lymphoblastoid silent region 18458; plus strand). Cytogenetic location: 7q22.1.
Variant type: Deletion.
Coding change: c.-89-9_-64del on transcript NM_005273.4 (MANE Select); 9 bases into the intron before 89 bases upstream of the start codon through 64 bases upstream of the start codon, 35 bases deleted.
Molecular consequence: splice acceptor variant.
Genome position (GRCh38, 1-based): chr7:100,676,168-100,676,202, 35 bases deleted; deleting any 35 consecutive bases within chr7:100,676,164-100,676,202 gives the same sequence; the c. name uses the placement nearest the transcript's 3' end. GRCh37 (hg19): chr7:100,273,791-100,273,825.
Identifiers: ClinVar variation 3368275 (VCV003368275.1).
Genomic context (GRCh38, chr7:100,676,163, plus strand): 5'-GCCGCGCTGCAACCCCGCCTTTCTCCCCACTTCCCCGGCGGCCTCGGGCCTGACGTCAGC[CCTGCATCCCCCAGGCCTCGGGCCAGCGGCCAGGAG>C]CTGCCTCCCCCAGCCCCCGTCCCGCGGCCCCCAGCCGCCCCCAACCCTGCCCCACGGGCC-3'